The following is an entry in ClinVar:

ClinVar aggregate classification (germline): Uncertain significance. Review status: criteria provided, multiple submitters, no conflicts (2 of 4 stars). 2 submissions from 2 submitters: Uncertain significance (2). Last evaluated 2022-08-23.

Conditions:
Inborn genetic diseases. Identifiers: MedGen C0950123, MeSH D030342.

Allele frequency attached by ClinVar (database versions not stated): TOPMed 0.00010; gnomAD 0.00014 and 0.00016; ExAC 0.00020; gnomAD exomes 0.00023.
gnomAD v4.1: 197 of 1,610,344 alleles (0.012%); highest among the groups gnomAD compares: Admixed American, 0.035%; no homozygotes.

Submissions (2):

Labcorp Genetics (formerly Invitae), Labcorp
Classification: Uncertain significance. Last evaluated: 2022-08-23. Review status: criteria provided, single submitter. Criteria: Invitae Variant Classification Sherloc (09022015). Collection method: clinical testing. Allele origin: germline.
Comment: This sequence change replaces arginine, which is basic and polar, with histidine, which is basic and polar, at codon 777 of the PLK4 protein (p.Arg777His). This variant is present in population databases (rs200662248, gnomAD 0.1%). This variant has not been reported in the literature in individuals affected with PLK4-related conditions. ClinVar contains an entry for this variant (Variation ID: 1035668). Algorithms developed to predict the effect of missense changes on protein structure and function output the following: SIFT: "Tolerated"; PolyPhen-2: "Benign"; Align-GVGD: "Class C0". The histidine amino acid residue is found in multiple mammalian species, which suggests that this missense change does not adversely affect protein function. In summary, the available evidence is currently insufficient to determine the role of this variant in disease. Therefore, it has been classified as a Variant of Uncertain Significance.

Ambry Genetics
Classification: Uncertain significance for Inborn genetic diseases. Last evaluated: 2021-06-22. Review status: criteria provided, single submitter. Criteria: Ambry Variant Classification Scheme 2023. Collection method: clinical testing. Allele origin: germline.

NM_014264.5(PLK4):c.2330G>A (p.Arg777His)

Gene: PLK4 (polo like kinase 4; plus strand). Cytogenetic location: 4q28.1.
Variant type: single nucleotide variant.
Coding change: c.2330G>A on transcript NM_014264.5 (MANE Select); coding-DNA position 2330, G replaced by A.
Protein change: p.Arg777His; replaces arginine 777 with histidine.
Molecular consequence: missense variant.
Genome position (GRCh38, 1-based): chr4:127,893,520, G>A. VCF-style: chr4-127893520-G-A. GRCh37 (hg19) VCF-style: chr4-128814675-G-A.
Other names: c.2234G>A, p.Arg745His (NM_001190799.2); c.2207G>A, p.Arg736His (NM_001190801.2); c.2330G>A (NM_014264.4); short protein forms R777H, R736H, R745H.
Identifiers: ClinVar variation 1035668 (VCV001035668.4), dbSNP rs200662248, ClinGen allele CA3077035.